The following is an entry in ClinVar:

ClinVar aggregate classification (germline): Conflicting classifications of pathogenicity. Review status: criteria provided, conflicting classifications (1 of 4 stars). 2 submissions from 2 submitters: Likely pathogenic (1); Uncertain significance (1). Last evaluated 2025-12-11.

Conditions:
DSCAM-related disorder. Also called: DSCAM-related condition.

Allele frequency attached by ClinVar (database versions not stated): gnomAD exomes below 0.00001.
gnomAD v4.1: 2 of 1,613,922 alleles (0.00012%); highest among the groups gnomAD compares: Non-Finnish European, 0.00017%; no homozygotes.

Submissions (2):

PreventionGenetics, part of Exact Sciences
Classification: Likely pathogenic for DSCAM-related condition. Last evaluated: 2025-12-11. Review status: criteria provided, single submitter. Criteria: ACMG Guidelines, 2015. Collection method: clinical testing. Allele origin: germline.
Comment: The DSCAM c.3658C>T variant is predicted to result in premature protein termination (p.Arg1220*). This variant has been reported to be maternally-inherited in an individual with autism spectrum disorder (Reported as 21:40124233:G:A: in Supp. table S5E Trost et al. 2022. PubMed ID: 36368308) and was also reported in another large autism spectrum disorder cohort (Supp. Table 22, Wilfert et al. 2021. PubMed ID: 34312540). This variant has not been reported in a large population database (gnomAD), indicating this variant is rare. Nonsense variants in DSCAM are expected to be pathogenic. This variant is interpreted as likely pathogenic.

Labcorp Genetics (formerly Invitae), Labcorp
Classification: Uncertain significance. Last evaluated: 2021-10-28. Review status: criteria provided, single submitter. Criteria: Invitae Variant Classification Sherloc (09022015). Collection method: clinical testing. Allele origin: germline.
Comment: In summary, the available evidence is currently insufficient to determine the role of this variant in disease. Therefore, it has been classified as a Variant of Uncertain Significance. This variant has not been reported in the literature in individuals affected with DSCAM-related conditions. This variant is not present in population databases (gnomAD no frequency). This sequence change creates a premature translational stop signal (p.Arg1220*) in the DSCAM gene. It is expected to result in an absent or disrupted protein product. However, the current clinical and genetic evidence is not sufficient to establish whether loss-of-function variants in DSCAM cause disease.

NM_001389.5(DSCAM):c.3658C>T (p.Arg1220Ter)

Gene: DSCAM (DS cell adhesion molecule; minus strand). Cytogenetic location: 21q22.2.
Variant type: single nucleotide variant.
Coding change: c.3658C>T on transcript NM_001389.5 (MANE Select); coding-DNA position 3658, C replaced by T.
Protein change: p.Arg1220Ter; replaces arginine 1220 with a stop codon.
Molecular consequence: nonsense. On other transcripts: non-coding transcript variant (1).
Genome position (GRCh38, 1-based): chr21:40,124,233, G>A on the plus strand (C>T on the coding strand, the complement: DSCAM is on the minus strand). VCF-style: chr21-40124233-G-A. GRCh37 (hg19) VCF-style: chr21-41496160-G-A.
Other names: c.3658C>T (NM_001389.3); c.3658C>T, p.Arg1220Ter (NM_001271534.3, NM_206887.1); short protein forms R1220*.
Identifiers: ClinVar variation 1977311 (VCV001977311.5), dbSNP rs867787586, ClinGen allele CA320639589.